The following is an entry in ClinVar:

NM_015202.5(KATNIP):c.2103G>C (p.Leu701=)

Gene: KATNIP (katanin interacting protein; plus strand). Cytogenetic location: 16p12.1.
Variant type: single nucleotide variant.
Coding change: c.2103G>C on transcript NM_015202.5 (MANE Select); coding-DNA position 2103, G replaced by C.
Protein change: p.Leu701=; no amino-acid change (leucine 701 retained).
Molecular consequence: synonymous variant.
Genome position (GRCh38, 1-based): chr16:27,740,400, G>C. VCF-style: chr16-27740400-G-C. GRCh37 (hg19) VCF-style: chr16-27751721-G-C.
Identifiers: ClinVar variation 3257142 (VCV003257142.17).
Genomic context (GRCh38, chr16:27,740,400, plus strand): 5'-AAAGAATTCTACTAATTGCAGGAAAGACAGTTTGTCCCAGTTAGAGGAATATTTGAGACT[G>C]TCGGCAGTCCCCACTTCGATGGGTGACATGCCCAGTGCTCCTGCCACTTCCCCACCTGTG-3'
Protein context (NP_056017.4, residues 691-711): SLSQLEEYLR[Leu701=]SAVPTSMGDM

ClinVar aggregate classification (germline): Likely benign (1 of 4 stars; one submission).

gnomAD v4.1: 5 of 1,614,118 alleles (0.00031%); highest among the groups gnomAD compares: Non-Finnish European, 0.00042%; no homozygotes.

Submission:

CeGaT Center for Human Genetics Tuebingen
Classification: Likely benign. Last evaluated: 2024-07-01. Review status: criteria provided, single submitter. Criteria: CeGaT Center For Human Genetics Tuebingen Variant Classification Criteria Version 2. Collection method: clinical testing. Allele origin: germline. Affected: yes. Observed: 1 variant allele.
Comment: KATNIP: BP4, BP7